The following is an entry in ClinVar:

NM_000755.5(CRAT):c.491G>C (p.Gly164Ala)

Gene: CRAT (carnitine O-acetyltransferase; minus strand). Cytogenetic location: 9q34.11.
Variant type: single nucleotide variant.
Coding change: c.491G>C on transcript NM_000755.5 (MANE Select); coding-DNA position 491, G replaced by C.
Protein change: p.Gly164Ala; replaces glycine 164 with alanine.
Molecular consequence: missense variant.
Genome position (GRCh38, 1-based): chr9:129,102,539, C>G on the plus strand (G>C on the coding strand, the complement: CRAT is on the minus strand). VCF-style: chr9-129102539-C-G. GRCh37 (hg19) VCF-style: chr9-131864818-C-G.
Other names: c.428G>C, p.Gly143Ala (NM_001257363.3, NM_001346548.2, NM_004003.4); c.494G>C, p.Gly165Ala (NM_001346546.2); c.491G>C, p.Gly164Ala (NM_001346547.2); c.371G>C, p.Gly124Ala (NM_001346549.2); short protein forms G124A, G143A, G165A, G164A.
Identifiers: ClinVar variation 1403909 (VCV001403909.7), dbSNP rs149054165, ClinGen allele CA5275717.

ClinVar aggregate classification (germline): Uncertain significance. Review status: criteria provided, multiple submitters, no conflicts (2 of 4 stars). 2 submissions from 2 submitters: Uncertain significance (2). Last evaluated 2025-12-27.

Allele frequency attached by ClinVar (database versions not stated): 1000 Genomes Project 0.00040; 1000 Genomes Project 30x 0.00047; ESP Exome Variant Server 0.00062.
gnomAD v4.1: 419 of 1,614,056 alleles (0.026%); highest among the groups gnomAD compares: African/African-American, 0.14%; no homozygotes.

Submissions (2):

Labcorp Genetics (formerly Invitae), Labcorp
Classification: Uncertain significance. Last evaluated: 2025-12-27. Review status: criteria provided, single submitter. Criteria: Invitae Variant Classification Sherloc (09022015). Collection method: clinical testing. Allele origin: germline.
Comment: This sequence change replaces glycine, which is neutral and non-polar, with alanine, which is neutral and non-polar, at codon 164 of the CRAT protein (p.Gly164Ala). This variant is present in population databases (rs149054165, gnomAD 0.2%), and has an allele count higher than expected for a pathogenic variant. This variant has not been reported in the literature in individuals affected with CRAT-related conditions. ClinVar contains an entry for this variant (Variation ID: 1403909). Invitae Evidence Modeling of protein sequence and biophysical properties (such as structural, functional, and spatial information, amino acid conservation, physicochemical variation, residue mobility, and thermodynamic stability) indicates that this missense variant is not expected to disrupt CRAT protein function with a negative predictive value of 80%. In summary, the available evidence is currently insufficient to determine the role of this variant in disease. Therefore, it has been classified as a Variant of Uncertain Significance.

Breakthrough Genomics
Classification: Uncertain significance. Review status: criteria provided, single submitter. Criteria: ACMG Guidelines, 2015. Collection method: not provided. Allele origin: germline. Inheritance: Autosomal recessive inheritance. Affected: yes.